The following is an entry in ClinVar:

NM_001029883.3(PCARE):c.3323G>C (p.Ser1108Thr)

Gene: PCARE (photoreceptor cilium actin regulator; minus strand). Cytogenetic location: 2p23.2.
Variant type: single nucleotide variant.
Coding change: c.3323G>C on transcript NM_001029883.3 (MANE Select); coding-DNA position 3323, G replaced by C.
Protein change: p.Ser1108Thr; replaces serine 1108 with threonine.
Molecular consequence: missense variant.
Genome position (GRCh38, 1-based): chr2:29,070,939, C>G on the plus strand (G>C on the coding strand, the complement: PCARE is on the minus strand). VCF-style: chr2-29070939-C-G. GRCh37 (hg19) VCF-style: chr2-29293805-C-G.
Other names: short protein forms S1108T.
Identifiers: ClinVar variation 1955661 (VCV001955661.5), dbSNP rs2465273490, ClinGen allele CA346475355.

ClinVar aggregate classification (germline): Uncertain significance (1 of 4 stars; one submission).

Submission:

Labcorp Genetics (formerly Invitae), Labcorp
Classification: Uncertain significance. Last evaluated: 2022-07-19. Review status: criteria provided, single submitter. Criteria: Invitae Variant Classification Sherloc (09022015). Collection method: clinical testing. Allele origin: germline.
Comment: This variant has not been reported in the literature in individuals affected with PCARE-related conditions. In summary, the available evidence is currently insufficient to determine the role of this variant in disease. Therefore, it has been classified as a Variant of Uncertain Significance. Algorithms developed to predict the effect of missense changes on protein structure and function (SIFT, PolyPhen-2, Align-GVGD) all suggest that this variant is likely to be tolerated. This variant is not present in population databases (gnomAD no frequency). This sequence change replaces serine, which is neutral and polar, with threonine, which is neutral and polar, at codon 1108 of the PCARE protein (p.Ser1108Thr).